The following is an entry in ClinVar:

NM_005762.3(TRIM28):c.2481G>C (p.Leu827=)

Gene: TRIM28 (tripartite motif containing 28; plus strand). Cytogenetic location: 19q13.43.
Variant type: single nucleotide variant.
Coding change: c.2481G>C on transcript NM_005762.3 (MANE Select); coding-DNA position 2481, G replaced by C.
Protein change: p.Leu827=; no amino-acid change (leucine 827 retained).
Molecular consequence: synonymous variant.
Genome position (GRCh38, 1-based): chr19:58,550,526, G>C. VCF-style: chr19-58550526-G-C. GRCh37 (hg19) VCF-style: chr19-59061893-G-C.
Identifiers: ClinVar variation 3905534 (VCV003905534.10).

ClinVar aggregate classification (germline): Likely benign (1 of 4 stars; one submission).

gnomAD v4.1: 1 of 1,610,536 alleles (0.000062%); highest among the groups gnomAD compares: Non-Finnish European, 0.000085%; no homozygotes.

Submission:

CeGaT Center for Human Genetics Tuebingen
Classification: Likely benign. Last evaluated: 2025-05-01. Review status: criteria provided, single submitter. Criteria: CeGaT Center For Human Genetics Tuebingen Variant Classification Criteria Version 2. Collection method: clinical testing. Allele origin: germline. Affected: yes. Observed: 1 variant allele.
Comment: TRIM28: BP4, BP7